The following is an entry in ClinVar:

ClinVar aggregate classification (germline): Benign (1 of 4 stars; one submission).

Allele frequency attached by ClinVar (database versions not stated): gnomAD exomes 0.00184; gnomAD 0.01855 and 0.02001; TOPMed 0.02107; 1000 Genomes Project 0.02177; 1000 Genomes Project 30x 0.02405.
gnomAD v4.1: 5,506 of 1,547,924 alleles (0.36%); highest among the groups gnomAD compares: African/African-American, 6.6%; 165 homozygotes.

Submission:

GeneDx
Classification: Benign. Last evaluated: 2018-06-13. Review status: criteria provided, single submitter. Criteria: GeneDx Variant Classification (06012015). Collection method: clinical testing. Allele origin: germline. Affected: yes.
Comment: This variant is considered likely benign or benign based on one or more of the following criteria: it is a conservative change, it occurs at a poorly conserved position in the protein, it is predicted to be benign by multiple in silico algorithms, and/or has population frequency not consistent with disease.

NM_001127453.2(GSDME):c.1183+75G>A

Gene: GSDME (gasdermin E; minus strand). Cytogenetic location: 7p15.3.
Variant type: single nucleotide variant.
Coding change: c.1183+75G>A on transcript NM_001127453.2 (MANE Select); 75 bases into the intron after coding-DNA position 1183, G replaced by A.
Molecular consequence: intron variant.
Genome position (GRCh38, 1-based): chr7:24,706,109, C>T on the plus strand (G>A on the coding strand, the complement: GSDME is on the minus strand). VCF-style: chr7-24706109-C-T. GRCh37 (hg19) VCF-style: chr7-24745728-C-T.
Other names: c.691+75G>A (NM_001127454.2); c.1183+75G>A (NM_004403.3).
Identifiers: ClinVar variation 675658 (VCV000675658.1), dbSNP rs114554049, ClinGen allele CA12668475.